The following is an entry in ClinVar:

ClinVar aggregate classification (germline): Uncertain significance. Review status: criteria provided, multiple submitters, no conflicts (2 of 4 stars). 6 submissions from 6 submitters: Uncertain significance (6). Last evaluated 2025-05-08.

Conditions:
Muscular dystrophy, limb-girdle, autosomal recessive 23. Identifiers: Orphanet 565837, MedGen C4748327, MONDO:0029136, OMIM 618138.
Merosin deficient congenital muscular dystrophy (MDC1A). Also called: Congenital merosin-deficient muscular dystrophy 1A; Congenital Muscular Dystrophy Type 1A (MDC1A). Identifiers: MedGen C1263858, MONDO:0011925, OMIM 607855, Orphanet 258.
Inborn genetic diseases. Identifiers: MedGen C0950123, MeSH D030342.
LAMA2-related disorder. Also called: LAMA2-related disorders; LAMA2-related condition.
LAMA2-related muscular dystrophy (LAMA2-RD). Also called: Laminin alpha 2-related dystrophy. Identifiers: MedGen C5679788, MONDO:0100228.

Allele frequency attached by ClinVar (database versions not stated): gnomAD exomes 0.00001; ExAC 0.00002; ESP Exome Variant Server 0.00008; gnomAD 0.00014; 1000 Genomes Project 0.00020; 1000 Genomes Project 30x 0.00031; TOPMed 0.00036.
gnomAD v4.1: 42 of 1,613,998 alleles (0.0026%); highest among the groups gnomAD compares: Admixed American, 0.06%; no homozygotes.

Submissions (6):

PreventionGenetics, part of Exact Sciences
Classification: Uncertain significance for LAMA2-related condition. Last evaluated: 2025-05-08. Review status: criteria provided, single submitter. Criteria: ACMG Guidelines, 2015. Collection method: clinical testing. Allele origin: germline.
Comment: The LAMA2 c.9188C>A variant is predicted to result in the amino acid substitution p.Pro3063His. To our knowledge, this variant has not been reported in the literature. This variant is reported in 0.0058% of alleles in individuals of Latino descent in gnomAD. At this time, the clinical significance of this variant is uncertain due to the absence of conclusive functional and genetic evidence.

Ambry Genetics
Classification: Uncertain significance for Inborn genetic diseases. Last evaluated: 2024-06-17. Review status: criteria provided, single submitter. Criteria: Ambry Variant Classification Scheme 2023. Collection method: clinical testing. Allele origin: germline.

Athena Diagnostics
Classification: Uncertain significance. Last evaluated: 2024-06-06. Review status: criteria provided, single submitter. Criteria: Athena Diagnostics Criteria. Collection method: clinical testing. Allele origin: unknown.
Comment: Available data are insufficient to determine the clinical significance of the variant at this time. The frequency of this variant in the general population is uninformative in assessment of its pathogenicity. Polyphen and MutationTaster predict this amino acid change may be damaging to the protein.

Labcorp Genetics (formerly Invitae), Labcorp
Classification: Uncertain significance for LAMA2-related muscular dystrophy. Last evaluated: 2022-10-13. Review status: criteria provided, single submitter. Criteria: Invitae Variant Classification Sherloc (09022015). Collection method: clinical testing. Allele origin: germline.
Comment: This sequence change replaces proline, which is neutral and non-polar, with histidine, which is basic and polar, at codon 3063 of the LAMA2 protein (p.Pro3063His). This variant is present in population databases (rs151285465, gnomAD 0.003%). This variant has not been reported in the literature in individuals affected with LAMA2-related conditions. ClinVar contains an entry for this variant (Variation ID: 581254). Advanced modeling of protein sequence and biophysical properties (such as structural, functional, and spatial information, amino acid conservation, physicochemical variation, residue mobility, and thermodynamic stability) has been performed at Invitae for this missense variant, however the output from this modeling did not meet the statistical confidence thresholds required to predict the impact of this variant on LAMA2 protein function. In summary, the available evidence is currently insufficient to determine the role of this variant in disease. Therefore, it has been classified as a Variant of Uncertain Significance.

Fulgent Genetics
Classification: Uncertain significance for Merosin deficient congenital muscular dystrophy; Muscular dystrophy, limb-girdle, autosomal recessive 23. Last evaluated: 2022-01-13. Review status: criteria provided, single submitter. Criteria: ACMG Guidelines, 2015. Collection method: clinical testing. Allele origin: unknown.

Revvity Omics, Revvity
Classification: Uncertain significance. Last evaluated: 2019-06-24. Review status: criteria provided, single submitter. Criteria: ACMG Guidelines, 2015. Collection method: clinical testing. Allele origin: germline.

NM_000426.4(LAMA2):c.9188C>A (p.Pro3063His)

Gene: LAMA2 (laminin subunit alpha 2; plus strand). Cytogenetic location: 6q22.33.
Variant type: single nucleotide variant.
Coding change: c.9188C>A on transcript NM_000426.4 (MANE Select); coding-DNA position 9188, C replaced by A.
Protein change: p.Pro3063His; replaces proline 3063 with histidine.
Molecular consequence: missense variant.
Genome position (GRCh38, 1-based): chr6:129,514,572, C>A. VCF-style: chr6-129514572-C-A. GRCh37 (hg19) VCF-style: chr6-129835717-C-A.
Other names: c.9176C>A, p.Pro3059His (NM_001079823.2); short protein forms P3063H, P3059H.
Identifiers: ClinVar variation 581254 (VCV000581254.13), dbSNP rs151285465, ClinGen allele CA3995056.